The following is an entry in ClinVar:

ClinVar aggregate classification (germline): Uncertain significance. Review status: criteria provided, multiple submitters, no conflicts (2 of 4 stars). 3 submissions from 3 submitters: Uncertain significance (3). Last evaluated 2025-10-15.

Conditions:
RYR1-related disorder. Also called: RYR1-related disorders; RYR1-related condition. Identifiers: MedGen CN239331.
Malignant hyperthermia, susceptibility to, 1 (MHS1). Also called: Anesthesia related hyperthermia; Malignant hyperpyrexia; Fulminating hyperpyrexia; Pharmacogenic myopathy; RYR1-Related Malignant Hyperthermia Susceptibility; Malignant hyperthermia suceptibility 1. Identifiers: Orphanet 423, MedGen C2930980, MONDO:0007783, OMIM 145600.

Allele frequency attached by ClinVar (database versions not stated): gnomAD exomes below 0.00001; gnomAD 0.00001 and 0.00002; TOPMed 0.00001.
gnomAD v4.1: 9 of 1,614,052 alleles (0.00056%); highest among the groups gnomAD compares: Non-Finnish European, 0.00068%; no homozygotes.

Submissions (3):

Labcorp Genetics (formerly Invitae), Labcorp
Classification: Uncertain significance for RYR1-related disorder. Last evaluated: 2025-10-15. Review status: criteria provided, single submitter. Criteria: Invitae Variant Classification Sherloc (09022015). Collection method: clinical testing. Allele origin: germline.
Comment: This sequence change replaces alanine, which is neutral and non-polar, with glycine, which is neutral and non-polar, at codon 3332 of the RYR1 protein (p.Ala3332Gly). This variant is present in population databases (no rsID available, gnomAD 0.01%). This missense change has been observed in individual(s) with RYR1-related conditions (PMID: 32236737). ClinVar contains an entry for this variant (Variation ID: 590642). Invitae Evidence Modeling of protein sequence and biophysical properties (such as structural, functional, and spatial information, amino acid conservation, physicochemical variation, residue mobility, and thermodynamic stability) indicates that this missense variant is not expected to disrupt RYR1 protein function with a negative predictive value of 80%. In summary, the available evidence is currently insufficient to determine the role of this variant in disease. Therefore, it has been classified as a Variant of Uncertain Significance.

Color Diagnostics, LLC DBA Color Health
Classification: Uncertain significance for Malignant hyperthermia, susceptibility to, 1. Last evaluated: 2025-09-09. Review status: criteria provided, single submitter. Criteria: ACMG Guidelines, 2015. Collection method: clinical testing. Allele origin: germline.
Comment: This missense variant replaces alanine with glycine at codon 3332 of the RYR1 protein. Computational prediction is inconclusive regarding the impact of this variant on protein structure and function. To our knowledge, functional studies have not been reported for this variant. This variant has not been reported in individuals affected with RYR1-related disorders in the literature. This variant has been identified in 2/31366 chromosomes in the general population by the Genome Aggregation Database (gnomAD). The available evidence is insufficient to determine the role of this variant in disease conclusively. Therefore, this variant is classified as a Variant of Uncertain Significance.

PreventionGenetics, part of Exact Sciences
Classification: Uncertain significance. Last evaluated: 2016-08-19. Review status: criteria provided, single submitter. Criteria: ACMG Guidelines, 2015. Collection method: clinical testing. Allele origin: germline.

Literature cited by the submitters: PubMed 32236737 (cited by Labcorp Genetics (formerly Invitae), Labcorp).

NM_000540.3(RYR1):c.9995C>G (p.Ala3332Gly)

Gene: RYR1 (ryanodine receptor 1; plus strand). Cytogenetic location: 19q13.2.
Variant type: single nucleotide variant.
Coding change: c.9995C>G on transcript NM_000540.3 (MANE Select); coding-DNA position 9995, C replaced by G.
Protein change: p.Ala3332Gly; replaces alanine 3332 with glycine.
Molecular consequence: missense variant.
Genome position (GRCh38, 1-based): chr19:38,517,668, C>G. VCF-style: chr19-38517668-C-G. GRCh37 (hg19) VCF-style: chr19-39008308-C-G.
Other names: c.9995C>G, p.Ala3332Gly (NM_001042723.2); short protein forms A3332G.
Identifiers: ClinVar variation 590642 (VCV000590642.4), dbSNP rs1309417886, ClinGen allele CA405693353.